The following is an entry in ClinVar:

NM_201253.3(CRB1):c.3702T>C (p.Asn1234=)

Gene: CRB1 (crumbs cell polarity complex component 1; plus strand). Cytogenetic location: 1q31.3.
Variant type: single nucleotide variant.
Coding change: c.3702T>C on transcript NM_201253.3 (MANE Select); coding-DNA position 3702, T replaced by C.
Protein change: p.Asn1234=; no amino-acid change (asparagine 1234 retained).
Molecular consequence: synonymous variant. On other transcripts: non-coding transcript variant (2), intron variant (1).
Genome position (GRCh38, 1-based): chr1:197,435,565, T>C. VCF-style: chr1-197435565-T-C. GRCh37 (hg19) VCF-style: chr1-197404695-T-C.
Other names: c.3702T>C (NM_201253.2); c.3366T>C, p.Asn1122= (NM_001193640.2); c.3630T>C, p.Asn1210= (NM_001257965.2); c.2129-35T>C (NM_001257966.2).
Identifiers: ClinVar variation 1081848 (VCV001081848.10), dbSNP rs747978870, ClinGen allele CA1312379.
Genomic context (GRCh38, chr1:197,435,565, plus strand): 5'-TATAGACAACTGCCAGAGTCACCAGTGTGCAAATGGAGCCACCTGCATTAGTCATACTAA[T>C]GGCTATTCTTGCCTCTGTTTTGGAAATTTTACAGGAAAATTTTGCAGGTGAGCATAAAGT-3'
Protein context (NP_957705.1, residues 1224-1244): ANGATCISHT[Asn1234=]GYSCLCFGNF

ClinVar aggregate classification (germline): Likely benign. Review status: criteria provided, multiple submitters, no conflicts (2 of 4 stars). 2 submissions from 2 submitters: Likely benign (2). Last evaluated 2026-06-08.

Conditions:
CRB1-related disorder. Also called: CRB1-related disorders; CRB1-related condition.
Leber congenital amaurosis 8 (LCA8). Identifiers: Orphanet 65, MedGen C3151202, MONDO:0013453, OMIM 613835.
Retinitis pigmentosa 12 (RP12). Also called: RP WITH OR WITHOUT PRESERVED PARAARTERIOLE RETINAL PIGMENT EPITHELIUM; RETINITIS PIGMENTOSA WITH OR WITHOUT PARAARTERIOLAR PRESERVATION OF RETINAL PIGMENT EPITHELIUM; RP WITH OR WITHOUT PPRPE. Identifiers: Orphanet 791, MedGen C1838647, MONDO:0010818, OMIM 600105.

Allele frequency attached by ClinVar (database versions not stated): gnomAD exomes 0.00001 and 0.00003; TOPMed 0.00001; ExAC 0.00002.
gnomAD v4.1: 7 of 1,613,502 alleles (0.00043%); highest among the groups gnomAD compares: Admixed American, 0.01%; no homozygotes.

Submissions (2):

PreventionGenetics, part of Exact Sciences
Classification: Likely benign for CRB1-related condition. Last evaluated: 2026-06-08. Review status: criteria provided, single submitter. Criteria: ACMG Guidelines, 2015. Collection method: clinical testing. Allele origin: germline.
Comment: This variant is classified as likely benign based on ACMG/AMP sequence variant interpretation guidelines (Richards et al. 2015 PMID: 25741868, with internal and published modifications).

Labcorp Genetics (formerly Invitae), Labcorp
Classification: Likely benign for Leber congenital amaurosis 8; Retinitis pigmentosa 12. Last evaluated: 2025-05-26. Review status: criteria provided, single submitter. Criteria: Invitae Variant Classification Sherloc (09022015). Collection method: clinical testing. Allele origin: germline.